The following is an entry in ClinVar:

ClinVar aggregate classification (germline): Uncertain significance (1 of 4 stars; one submission).

Allele frequency attached by ClinVar (database versions not stated): gnomAD exomes below 0.00001.
gnomAD v4.1: 1 of 1,612,454 alleles (0.000062%); highest among the groups gnomAD compares: Non-Finnish European, 0.000085%; no homozygotes.

Submission:

Labcorp Genetics (formerly Invitae), Labcorp
Classification: Uncertain significance. Last evaluated: 2020-12-20. Review status: criteria provided, single submitter. Criteria: Invitae Variant Classification Sherloc (09022015). Collection method: clinical testing. Allele origin: germline.
Comment: Advanced modeling of protein sequence and biophysical properties (such as structural, functional, and spatial information, amino acid conservation, physicochemical variation, residue mobility, and thermodynamic stability) performed at Invitae indicates that this missense variant is expected to disrupt SI protein function. In summary, the available evidence is currently insufficient to determine the role of this variant in disease. Therefore, it has been classified as a Variant of Uncertain Significance. This variant has not been reported in the literature in individuals with SI-related conditions. This sequence change replaces tryptophan with cysteine at codon 1131 of the SI protein (p.Trp1131Cys). The tryptophan residue is highly conserved and there is a large physicochemical difference between tryptophan and cysteine. This variant is not present in population databases (ExAC no frequency).

NM_001041.4(SI):c.3393G>C (p.Trp1131Cys)

Gene: SI (sucrase-isomaltase; minus strand). Cytogenetic location: 3q26.1.
Variant type: single nucleotide variant.
Coding change: c.3393G>C on transcript NM_001041.4 (MANE Select); coding-DNA position 3393, G replaced by C.
Protein change: p.Trp1131Cys; replaces tryptophan 1131 with cysteine.
Molecular consequence: missense variant.
Genome position (GRCh38, 1-based): chr3:165,019,632, C>G on the plus strand (G>C on the coding strand, the complement: SI is on the minus strand). VCF-style: chr3-165019632-C-G. GRCh37 (hg19) VCF-style: chr3-164737420-C-G.
Other names: short protein forms W1131C.
Identifiers: ClinVar variation 1480076 (VCV001480076.7), dbSNP rs2108179651, ClinGen allele CA355039006.